The following is an entry in ClinVar:

ClinVar aggregate classification (germline): Uncertain significance (1 of 4 stars; one submission).

Conditions:
Sotos syndrome (SOTOS). Also called: Sotos' syndrome; CHROMOSOME 5q35 DELETION SYNDROME; SOTOS SYNDROME 1; CEREBRAL GIGANTISM; Distinctive facial appearance, overgrowth in childhood, and learning disabilities or delayed development. Identifiers: Orphanet 821, MedGen C0175695, MONDO:0019349, OMIM 117550.

Allele frequency attached by ClinVar (database versions not stated): gnomAD exomes below 0.00001.
gnomAD v4.1: 2 of 1,608,468 alleles (0.00012%); highest among the groups gnomAD compares: Non-Finnish European, 0.00017%; no homozygotes.

Submission:

Centre for Mendelian Genomics, University Medical Centre Ljubljana
Classification: Uncertain significance for Sotos syndrome. Last evaluated: 2019-04-25. Review status: criteria provided, single submitter. Criteria: ACMG Guidelines, 2015. Collection method: clinical testing. Allele origin: unknown. Affected: yes.
Comment: This variant was classified as: Uncertain significance. The available evidence on this variant's pathogenicity is insufficient or conflicting. The following ACMG criteria were applied in classifying this variant: PM2,PP3.

NM_022455.5(NSD1):c.709A>G (p.Lys237Glu)

Gene: NSD1 (nuclear receptor binding SET domain protein 1; plus strand). Cytogenetic location: 5q35.3.
Variant type: single nucleotide variant.
Coding change: c.709A>G on transcript NM_022455.5 (MANE Select); coding-DNA position 709, A replaced by G.
Protein change: p.Lys237Glu; replaces lysine 237 with glutamic acid.
Molecular consequence: missense variant. On other transcripts: intron variant (8).
Genome position (GRCh38, 1-based): chr5:177,135,812, A>G. VCF-style: chr5-177135812-A-G. GRCh37 (hg19) VCF-style: chr5-176562813-A-G.
Other names: c.709A>G, p.Lys237Glu (NM_001409301.1, NM_001409302.1, NM_001409303.1); c.418-129A>G (NM_001409304.1); c.-36-129A>G (NM_001409305.1, NM_001409306.1, NM_001409308.1 and 4 more transcripts); short protein forms K237E.
Identifiers: ClinVar variation 930466 (VCV000930466.4), dbSNP rs1756273326, ClinGen allele CA362295310.